The following is an entry in ClinVar:

ClinVar aggregate classification (germline): Benign/Likely benign. Review status: criteria provided, multiple submitters, no conflicts (2 of 4 stars). 11 submissions from 10 submitters: Benign (8); Likely benign (1). 2 of the submissions do not count toward it. Last evaluated 2026-02-04.

Conditions:
Retinitis pigmentosa 39 (RP39). Identifiers: Orphanet 791, MedGen C3151138, MONDO:0013436, OMIM 613809.
Usher syndrome type 2A. Also called: USHER SYNDROME, TYPE IIA; RETINAL DISEASE IN USHER SYNDROME TYPE IIA, MODIFIER OF. Identifiers: Orphanet 231178, Orphanet 886, MedGen C1848634, MONDO:0010169, OMIM 276901.

Allele frequency attached by ClinVar (database versions not stated): gnomAD exomes 0.00037 and 0.00088; ExAC 0.00111; ESP Exome Variant Server 0.00292; gnomAD 0.00376 and 0.00404; 1000 Genomes Project 30x 0.00390; TOPMed 0.00392; 1000 Genomes Project 0.00399.
gnomAD v4.1: 1,146 of 1,613,966 alleles (0.071%); highest among the groups gnomAD compares: African/African-American, 1.3%; 13 homozygotes.

Submissions (11):

Labcorp Genetics (formerly Invitae), Labcorp
Classification: Benign. Last evaluated: 2026-02-04. Review status: criteria provided, single submitter. Criteria: Invitae Variant Classification Sherloc (09022015). Collection method: clinical testing. Allele origin: germline.

Blueprint Genetics
Classification: Likely benign. Last evaluated: 2024-11-22. Review status: criteria provided, single submitter. Criteria: ACMG Guidelines, 2015. Collection method: clinical testing. Allele origin: germline.

Genome-Nilou Lab
Classification: Benign for Retinitis pigmentosa 39. Last evaluated: 2023-11-04. Review status: criteria provided, single submitter. Criteria: ACMG Guidelines, 2015. Collection method: clinical testing. Allele origin: germline. Affected: no.

Genome-Nilou Lab
Classification: Benign for Usher syndrome type 2A. Last evaluated: 2023-11-04. Review status: criteria provided, single submitter. Criteria: ACMG Guidelines, 2015. Collection method: clinical testing. Allele origin: germline. Affected: no.

GeneDx
Classification: Benign. Last evaluated: 2019-12-31. Review status: criteria provided, single submitter. Criteria: GeneDx Variant Classification Process June 2021. Collection method: clinical testing. Allele origin: germline. Affected: yes.

ARUP Laboratories, Molecular Genetics and Genomics, ARUP Laboratories
Classification: Benign. Last evaluated: 2018-08-31. Review status: criteria provided, single submitter. Criteria: ARUP Molecular Germline Variant Investigation Process. Collection method: clinical testing. Allele origin: germline.

Eurofins Ntd Llc (ga)
Classification: Benign. Last evaluated: 2016-04-08. Review status: criteria provided, single submitter. Criteria: EGL Classification Definitions 2015. Collection method: clinical testing. Allele origin: germline. Observed: 1 variant allele, 1 heterozygote.

Laboratory for Molecular Medicine, Mass General Brigham Personalized Medicine
Classification: Benign. Last evaluated: 2012-04-30. Review status: criteria provided, single submitter. Criteria: LMM Criteria. Collection method: clinical testing. Allele origin: germline. Observed: 8 variant alleles.
Comment: Val2979Val in Exon 45 of USH2A: This variant is not expected to have clinical si gnificance because it does not alter an amino acid residue, is not located withi n the splice consensus sequence, and has been identified in 0.9% (33/3738) of Af rican American chromosomes from a broad population by the NHLBI Exome Sequencing Project (dbSNP rs139100097).

PreventionGenetics, part of Exact Sciences
Classification: Benign. Review status: criteria provided, single submitter. Criteria: ACMG Guidelines, 2015. Collection method: clinical testing. Allele origin: germline.

Clinical Genetics DNA and cytogenetics Diagnostics Lab, Erasmus MC, Erasmus Medical Center
Classification: Likely benign. Review status: no assertion criteria provided. Collection method: clinical testing. Allele origin: germline. Affected: yes. Study: VKGL Data-share Consensus. Not counted in ClinVar's aggregate classification.

Clinical Genetics, Academic Medical Center
Classification: Benign. Review status: no assertion criteria provided. Collection method: clinical testing. Allele origin: germline. Affected: yes. Study: VKGL Data-share Consensus. Not counted in ClinVar's aggregate classification.

NM_206933.4(USH2A):c.8937A>G (p.Val2979=)

Gene: USH2A (usherin; minus strand). Cytogenetic location: 1q41.
Variant type: single nucleotide variant.
Coding change: c.8937A>G on transcript NM_206933.4 (MANE Select); coding-DNA position 8937, A replaced by G.
Protein change: p.Val2979=; no amino-acid change (valine 2979 retained).
Molecular consequence: synonymous variant.
Genome position (GRCh38, 1-based): chr1:215,845,942, T>C on the plus strand (A>G on the coding strand, the complement: USH2A is on the minus strand). VCF-style: chr1-215845942-T-C. GRCh37 (hg19) VCF-style: chr1-216019284-T-C.
Identifiers: ClinVar variation 166467 (VCV000166467.34), dbSNP rs139100097, ClinGen allele CA179531.